The following is an entry in ClinVar:

NM_022168.4(IFIH1):c.496G>C (p.Glu166Gln)

Gene: IFIH1 (interferon induced with helicase C domain 1; minus strand). Cytogenetic location: 2q24.2.
Variant type: single nucleotide variant.
Coding change: c.496G>C on transcript NM_022168.4 (MANE Select); coding-DNA position 496, G replaced by C.
Protein change: p.Glu166Gln; replaces glutamic acid 166 with glutamine.
Molecular consequence: missense variant.
Genome position (GRCh38, 1-based): chr2:162,310,891, C>G on the plus strand (G>C on the coding strand, the complement: IFIH1 is on the minus strand). VCF-style: chr2-162310891-C-G. GRCh37 (hg19) VCF-style: chr2-163167401-C-G.
Other names: short protein forms E166Q.
Identifiers: ClinVar variation 2943725 (VCV002943725.3), dbSNP rs1234872809, ClinGen allele CA349011641.

ClinVar aggregate classification (germline): Uncertain significance (1 of 4 stars; one submission).

Conditions:
Singleton-Merten syndrome 1 (SGMRT1). Also called: Widened medullary cavities of bone, aortic calcification, abnormal dentition, and muscular weakness; Syndrome of widened medullary cavities of the metacarpals and phalanges, aortic calcification and abnormal dentition. Identifiers: Orphanet 85191, MedGen C4225427, MONDO:0024535, OMIM 182250.
Aicardi-Goutieres syndrome 7 (AGS7). Identifiers: Orphanet 51, MedGen C3888244, MONDO:0014367, OMIM 615846.

gnomAD v4.1: 1 of 1,613,604 alleles (0.000062%); highest among the groups gnomAD compares: Non-Finnish European, 0.000085%; no homozygotes.

Submission:

Labcorp Genetics (formerly Invitae), Labcorp
Classification: Uncertain significance for Aicardi-Goutieres syndrome 7; Singleton-Merten syndrome 1. Last evaluated: 2023-03-07. Review status: criteria provided, single submitter. Criteria: Invitae Variant Classification Sherloc (09022015). Collection method: clinical testing. Allele origin: germline.
Comment: In summary, the available evidence is currently insufficient to determine the role of this variant in disease. Therefore, it has been classified as a Variant of Uncertain Significance. Advanced modeling of protein sequence and biophysical properties (such as structural, functional, and spatial information, amino acid conservation, physicochemical variation, residue mobility, and thermodynamic stability) has been performed at Invitae for this missense variant, however the output from this modeling did not meet the statistical confidence thresholds required to predict the impact of this variant on IFIH1 protein function. This variant has not been reported in the literature in individuals affected with IFIH1-related conditions. This variant is present in population databases (no rsID available, gnomAD 0.0009%). This sequence change replaces glutamic acid, which is acidic and polar, with glutamine, which is neutral and polar, at codon 166 of the IFIH1 protein (p.Glu166Gln).